The following is an entry in ClinVar:

ClinVar aggregate classification (germline): Uncertain significance (1 of 4 stars; one submission).

Conditions:
Immunodeficiency 132A. Also called: Herpes simplex encephalitis, susceptibility to, 3. Identifiers: Orphanet 1930, MedGen C3553868, MONDO:0013920, OMIM 614849.

Submission:

Labcorp Genetics (formerly Invitae), Labcorp
Classification: Uncertain significance for Immunodeficiency 132A. Last evaluated: 2025-11-03. Review status: criteria provided, single submitter. Criteria: Invitae Variant Classification Sherloc (09022015). Collection method: clinical testing. Allele origin: germline.
Comment: This sequence change replaces glutamic acid, which is acidic and polar, with glutamine, which is neutral and polar, at codon 67 of the TRAF3 protein (p.Glu67Gln). This variant is not present in population databases (gnomAD no frequency). This variant has not been reported in the literature in individuals affected with TRAF3-related conditions. An algorithm developed to predict the effect of missense changes on protein structure and function (PolyPhen-2) suggests that this variant is likely to be disruptive. In summary, the available evidence is currently insufficient to determine the role of this variant in disease. Therefore, it has been classified as a Variant of Uncertain Significance.

NM_145725.3(TRAF3):c.199G>C (p.Glu67Gln)

Gene: TRAF3 (TNF receptor associated factor 3; plus strand). Cytogenetic location: 14q32.32.
Variant type: single nucleotide variant.
Coding change: c.199G>C on transcript NM_145725.3 (MANE Select); coding-DNA position 199, G replaced by C.
Protein change: p.Glu67Gln; replaces glutamic acid 67 with glutamine.
Molecular consequence: missense variant.
Genome position (GRCh38, 1-based): chr14:102,870,400, G>C. VCF-style: chr14-102870400-G-C. GRCh37 (hg19) VCF-style: chr14-103336737-G-C.
Other names: c.199G>C, p.Glu67Gln (NM_001199427.2, NM_001385142.1, NM_001385143.1 and 2 more transcripts); short protein forms E67Q.
Identifiers: ClinVar variation 4766707 (VCV004766707.1).